The following is an entry in ClinVar:

ClinVar aggregate classification (germline): Uncertain significance. Review status: criteria provided, multiple submitters, no conflicts (2 of 4 stars). 2 submissions from 2 submitters: Uncertain significance (2). Last evaluated 2025-07-11.

Conditions:
Nephronophthisis. Also called: Juvenile Nephronophthisis. Identifiers: Orphanet 655, MedGen C0687120, MONDO:0019005, HP:0000090.

Submissions (2):

GeneDx
Classification: Uncertain significance. Last evaluated: 2025-07-11. Review status: criteria provided, single submitter. Criteria: GeneDx Variant Classification Process June 2021. Collection method: clinical testing. Allele origin: germline. Affected: yes.
Comment: Not observed at significant frequency in large population cohorts (gnomAD); In silico analysis supports that this missense variant has a deleterious effect on protein structure/function; Has not been previously published as pathogenic or benign to our knowledge

Labcorp Genetics (formerly Invitae), Labcorp
Classification: Uncertain significance for Nephronophthisis. Last evaluated: 2022-04-15. Review status: criteria provided, single submitter. Criteria: Invitae Variant Classification Sherloc (09022015). Collection method: clinical testing. Allele origin: germline.
Comment: This sequence change replaces proline, which is neutral and non-polar, with arginine, which is basic and polar, at codon 397 of the NPHP1 protein (p.Pro397Arg). This variant is not present in population databases (gnomAD no frequency). In summary, the available evidence is currently insufficient to determine the role of this variant in disease. Therefore, it has been classified as a Variant of Uncertain Significance. Algorithms developed to predict the effect of missense changes on protein structure and function are either unavailable or do not agree on the potential impact of this missense change (SIFT: "Tolerated"; PolyPhen-2: "Probably Damaging"; Align-GVGD: "Class C0"). This variant has not been reported in the literature in individuals affected with NPHP1-related conditions.

NM_001128178.3(NPHP1):c.1022C>G (p.Pro341Arg)

Gene: NPHP1 (nephrocystin 1; minus strand). Cytogenetic location: 2q13.
Variant type: single nucleotide variant.
Coding change: c.1022C>G on transcript NM_001128178.3 (MANE Select); coding-DNA position 1022, C replaced by G.
Protein change: p.Pro341Arg; replaces proline 341 with arginine.
Molecular consequence: missense variant.
Genome position (GRCh38, 1-based): chr2:110,160,188, G>C on the plus strand (C>G on the coding strand, the complement: NPHP1 is on the minus strand). VCF-style: chr2-110160188-G-C. GRCh37 (hg19) VCF-style: chr2-110917765-G-C.
Other names: c.1190C>G (NM_000272.3); c.1190C>G, p.Pro397Arg (NM_000272.5); c.833C>G, p.Pro278Arg (NM_001128179.3); c.1019C>G, p.Pro340Arg (NM_001374256.1); c.1022C>G, p.Pro341Arg (NM_001374257.1); c.1187C>G, p.Pro396Arg (NM_207181.4); short protein forms P397R, P340R, P341R, P278R, P396R.
Identifiers: ClinVar variation 1918171 (VCV001918171.6), dbSNP rs2467333425, ClinGen allele CA348089592.
Genomic context (GRCh38, chr2:110,160,188, plus strand): 5'-TTATTACCATCAAATAGACAGAGGCGTACATGTCTGCTGAGAACCTGTATGCTCATTCCT[G>C]GAAGAGGAATCATTTTACAGCTCCATAATGTCAGAATCAATGAAATACGACTTGGTCTCG-3'
Protein context (NP_001121650.1, residues 331-351): TLWSCKMIPL[Pro341Arg]GMSIQVLSRH